The following is an entry in ClinVar:

ClinVar aggregate classification (germline): Uncertain significance (1 of 4 stars; one submission).

Submission:

Labcorp Genetics (formerly Invitae), Labcorp
Classification: Uncertain significance. Last evaluated: 2021-09-17. Review status: criteria provided, single submitter. Criteria: Invitae Variant Classification Sherloc (09022015). Collection method: clinical testing. Allele origin: germline.
Comment: This sequence change replaces lysine with glutamine at codon 1477 of the PCDH15 protein (p.Lys1477Gln). The lysine residue is weakly conserved and there is a small physicochemical difference between lysine and glutamine. This variant is not present in population databases (ExAC no frequency). This variant has not been reported in the literature in individuals with PCDH15-related conditions. Algorithms developed to predict the effect of missense changes on protein structure and function (SIFT, PolyPhen-2, Align-GVGD) all suggest that this variant is likely to be tolerated, but these predictions have not been confirmed by published functional studies and their clinical significance is uncertain. In summary, the available evidence is currently insufficient to determine the role of this variant in disease. Therefore, it has been classified as a Variant of Uncertain Significance.

NM_033056.4(PCDH15):c.4429A>C (p.Lys1477Gln)

Gene: PCDH15 (protocadherin related 15; minus strand). Cytogenetic location: 10q21.1.
Variant type: single nucleotide variant.
Coding change: c.4429A>C on transcript NM_033056.4 (MANE Plus Clinical); coding-DNA position 4429, A replaced by C.
Protein change: p.Lys1477Gln; replaces lysine 1477 with glutamine.
Molecular consequence: missense variant. On other transcripts: intron variant (8).
Genome position (GRCh38, 1-based): chr10:53,823,297, T>G on the plus strand (A>C on the coding strand, the complement: PCDH15 is on the minus strand). VCF-style: chr10-53823297-T-G. GRCh37 (hg19) VCF-style: chr10-55583057-T-G.
Other names: c.4435A>C, p.Lys1479Gln (NM_001142764.2); c.4222A>C, p.Lys1408Gln (NM_001142765.2); c.4420A>C, p.Lys1474Gln (NM_001142766.2); c.4309A>C, p.Lys1437Gln (NM_001142767.2); c.4369A>C, p.Lys1457Gln (NM_001142768.2); c.4360A>C, p.Lys1454Gln (NM_001142773.2); c.4363A>C, p.Lys1455Gln (NM_001354404.2); c.4367+4096A>C (NM_001354420.2, NM_001354429.2); and 6 more; short protein forms K1437Q, K1454Q, K1457Q, K1474Q, K1484Q, K1408Q, K1455Q, K1477Q.
Identifiers: ClinVar variation 1366155 (VCV001366155.5), dbSNP rs2132511638, ClinGen allele CA376527352.